The following is an entry in ClinVar:

NM_003924.4(PHOX2B):c.245C>G (p.Pro82Arg)

Gene: PHOX2B (paired like homeobox 2B; minus strand). Cytogenetic location: 4p13.
Variant type: single nucleotide variant.
Coding change: c.245C>G on transcript NM_003924.4 (MANE Select); coding-DNA position 245, C replaced by G.
Protein change: p.Pro82Arg; replaces proline 82 with arginine.
Molecular consequence: missense variant.
Genome position (GRCh38, 1-based): chr4:41,747,533, G>C on the plus strand (C>G on the coding strand, the complement: PHOX2B is on the minus strand). VCF-style: chr4-41747533-G-C. GRCh37 (hg19) VCF-style: chr4-41749550-G-C.
Other names: short protein forms P82R.
Identifiers: ClinVar variation 959362 (VCV000959362.1), dbSNP rs1733949825, ClinGen allele CA356740618.

ClinVar aggregate classification (germline): Uncertain significance (1 of 4 stars; one submission).

Conditions:
Haddad syndrome (OHD). Also called: Ondine-Hirschsprung disease. Identifiers: Orphanet 99803, MedGen C1859049, MONDO:0020493.

Submission:

Labcorp Genetics (formerly Invitae), Labcorp
Classification: Uncertain significance for Haddad syndrome. Last evaluated: 2019-10-02. Review status: criteria provided, single submitter. Criteria: Invitae Variant Classification Sherloc (09022015). Collection method: clinical testing. Allele origin: germline.
Comment: This sequence change replaces proline with arginine at codon 82 of the PHOX2B protein (p.Pro82Arg). The proline residue is highly conserved and there is a moderate physicochemical difference between proline and arginine. This variant is not present in population databases (ExAC no frequency). This variant has not been reported in the literature in individuals with PHOX2B-related conditions. Algorithms developed to predict the effect of missense changes on protein structure and function (SIFT, PolyPhen-2, Align-GVGD) all suggest that this variant is likely to be disruptive, but these predictions have not been confirmed by published functional studies and their clinical significance is uncertain. In summary, the available evidence is currently insufficient to determine the role of this variant in disease. Therefore, it has been classified as a Variant of Uncertain Significance.